The following is an entry in ClinVar:

NM_017636.4(TRPM4):c.1630G>T (p.Ala544Ser)

Gene: TRPM4 (transient receptor potential cation channel subfamily M member 4; plus strand). Cytogenetic location: 19q13.33.
Variant type: single nucleotide variant.
Coding change: c.1630G>T on transcript NM_017636.4 (MANE Select); coding-DNA position 1630, G replaced by T.
Protein change: p.Ala544Ser; replaces alanine 544 with serine.
Molecular consequence: missense variant.
Genome position (GRCh38, 1-based): chr19:49,183,099, G>T. VCF-style: chr19-49183099-G-T. GRCh37 (hg19) VCF-style: chr19-49686356-G-T.
Other names: c.1630G>T, p.Ala544Ser (NM_001195227.2); c.1285G>T, p.Ala429Ser (NM_001321281.2); c.22G>T, p.Ala8Ser (NM_001321282.2); c.1108G>T, p.Ala370Ser (NM_001321283.2); c.568G>T, p.Ala190Ser (NM_001321285.2); short protein forms A429S, A8S, A190S, A370S, A544S.
Identifiers: ClinVar variation 1776826 (VCV001776826.6), dbSNP rs2514119176, ClinGen allele CA406800297.

ClinVar aggregate classification (germline): Uncertain significance. Review status: criteria provided, multiple submitters, no conflicts (2 of 4 stars). 2 submissions from 2 submitters: Uncertain significance (2). Last evaluated 2024-06-21.

Conditions:
Cardiovascular phenotype. Identifiers: MedGen CN230736.
Progressive familial heart block type IB (PFHB1B). Identifiers: Orphanet 871, MedGen C1970298, MONDO:0011474, OMIM 604559.

Allele frequency attached by ClinVar (database versions not stated): gnomAD exomes below 0.00001.
gnomAD v4.1: 2 of 1,613,048 alleles (0.00012%); highest among the groups gnomAD compares: Non-Finnish European, 0.00017%; no homozygotes.

Submissions (2):

Ambry Genetics
Classification: Uncertain significance for Cardiovascular phenotype. Last evaluated: 2024-06-21. Review status: criteria provided, single submitter. Criteria: Ambry Variant Classification Scheme 2023. Collection method: clinical testing. Allele origin: germline.
Comment: The p.A544S variant (also known as c.1630G>T), located in coding exon 12 of the TRPM4 gene, results from a G to T substitution at nucleotide position 1630. The alanine at codon 544 is replaced by serine, an amino acid with similar properties. This amino acid position is well conserved in available vertebrate species. In addition, this alteration is predicted to be tolerated by in silico analysis. Since supporting evidence is limited at this time, the clinical significance of this alteration remains unclear.

Labcorp Genetics (formerly Invitae), Labcorp
Classification: Uncertain significance for Progressive familial heart block type IB. Last evaluated: 2024-04-30. Review status: criteria provided, single submitter. Criteria: Invitae Variant Classification Sherloc (09022015). Collection method: clinical testing. Allele origin: germline.
Comment: This sequence change replaces alanine, which is neutral and non-polar, with serine, which is neutral and polar, at codon 544 of the TRPM4 protein (p.Ala544Ser). This variant is not present in population databases (gnomAD no frequency). This variant has not been reported in the literature in individuals affected with TRPM4-related conditions. ClinVar contains an entry for this variant (Variation ID: 1776826). An algorithm developed to predict the effect of missense changes on protein structure and function (PolyPhen-2) suggests that this variant is likely to be tolerated. In summary, the available evidence is currently insufficient to determine the role of this variant in disease. Therefore, it has been classified as a Variant of Uncertain Significance.